The following is an entry in ClinVar:

NM_001349.4(DARS1):c.1104G>C (p.Leu368=)

Gene: DARS1 (aspartyl-tRNA synthetase 1; minus strand). Cytogenetic location: 2q21.3.
Variant type: single nucleotide variant.
Coding change: c.1104G>C on transcript NM_001349.4 (MANE Select); coding-DNA position 1104, G replaced by C.
Protein change: p.Leu368=; no amino-acid change (leucine 368 retained).
Molecular consequence: synonymous variant.
Genome position (GRCh38, 1-based): chr2:135,916,228, C>G on the plus strand (G>C on the coding strand, the complement: DARS1 is on the minus strand). VCF-style: chr2-135916228-C-G. GRCh37 (hg19) VCF-style: chr2-136673798-C-G.
Other names: c.804G>C, p.Leu268= (NM_001293312.1).
Identifiers: ClinVar variation 667528 (VCV000667528.5), dbSNP rs769215712, ClinGen allele CA1889586.

ClinVar aggregate classification (germline): Likely benign. Review status: criteria provided, multiple submitters, no conflicts (2 of 4 stars). 2 submissions from 2 submitters: Likely benign (2). Last evaluated 2024-10-29.

Allele frequency attached by ClinVar (database versions not stated): ExAC 0.00001; gnomAD 0.00001; gnomAD exomes 0.00001; TOPMed 0.00002.
gnomAD v4.1: 12 of 1,574,220 alleles (0.00076%); highest among the groups gnomAD compares: Admixed American, 0.0034%; no homozygotes.

Submissions (2):

Labcorp Genetics (formerly Invitae), Labcorp
Classification: Likely benign. Last evaluated: 2024-10-29. Review status: criteria provided, single submitter. Criteria: Invitae Variant Classification Sherloc (09022015). Collection method: clinical testing. Allele origin: germline.

GeneDx
Classification: Likely benign. Last evaluated: 2018-05-22. Review status: criteria provided, single submitter. Criteria: GeneDx Variant Classification (06012015). Collection method: clinical testing. Allele origin: germline. Affected: yes.
Comment: This variant is considered likely benign or benign based on one or more of the following criteria: it is a conservative change, it occurs at a poorly conserved position in the protein, it is predicted to be benign by multiple in silico algorithms, and/or has population frequency not consistent with disease.